The following is an entry in ClinVar:

NM_001303256.3(MORC2):c.2969C>T (p.Thr990Met)

Gene: MORC2 (MORC family CW-type zinc finger 2; minus strand). Cytogenetic location: 22q12.2.
Variant type: single nucleotide variant.
Coding change: c.2969C>T on transcript NM_001303256.3 (MANE Select); coding-DNA position 2969, C replaced by T.
Protein change: p.Thr990Met; replaces threonine 990 with methionine.
Molecular consequence: missense variant.
Genome position (GRCh38, 1-based): chr22:30,928,080, G>A on the plus strand (C>T on the coding strand, the complement: MORC2 is on the minus strand). VCF-style: chr22-30928080-G-A. GRCh37 (hg19) VCF-style: chr22-31324067-G-A.
Other names: c.2969C>T, p.Thr990Met (NM_001303257.2); c.2783C>T, p.Thr928Met (NM_014941.3); short protein forms T990M, T928M.
Identifiers: ClinVar variation 642427 (VCV000642427.9), dbSNP rs745339848, ClinGen allele CA10186503.
Genomic context (GRCh38, chr22:30,928,080, plus strand): 5'-TCCTGCACCTTTTGCAGGAGTGCCACGATGTTGGTCCTCAGCTTCTGCAGCTTCTCCTCC[G>A]TCTCGCGGAGCTTCCTCTCGGAGGTGCGCAGGCTTTCCTCGGAGGCCTTGGCCCGGGAGT-3'
Protein context (NP_001290185.1, residues 980-1000): LRTSERKLRE[Thr990Met]EEKLQKLRTN

ClinVar aggregate classification (germline): Uncertain significance (1 of 4 stars; one submission).

Conditions:
Charcot-Marie-Tooth disease axonal type 2Z. Also called: CHARCOT-MARIE-TOOTH DISEASE, AXONAL, AUTOSOMAL DOMINANT, TYPE 2Z; CHARCOT-MARIE-TOOTH NEUROPATHY, TYPE 2Z. Identifiers: Orphanet 466768, MedGen C5569025, MONDO:0014736, OMIM 616688.

Allele frequency attached by ClinVar (database versions not stated): gnomAD 0.00001 and 0.00002; gnomAD exomes 0.00001; ExAC 0.00002; TOPMed 0.00003.

Submission:

Labcorp Genetics (formerly Invitae), Labcorp
Classification: Uncertain significance for Charcot-Marie-Tooth disease axonal type 2Z. Last evaluated: 2022-10-17. Review status: criteria provided, single submitter. Criteria: Invitae Variant Classification Sherloc (09022015). Collection method: clinical testing. Allele origin: germline.
Comment: This sequence change replaces threonine, which is neutral and polar, with methionine, which is neutral and non-polar, at codon 990 of the MORC2 protein (p.Thr990Met). This variant is present in population databases (rs745339848, gnomAD 0.007%). This variant has not been reported in the literature in individuals affected with MORC2-related conditions. ClinVar contains an entry for this variant (Variation ID: 642427). Advanced modeling of protein sequence and biophysical properties (such as structural, functional, and spatial information, amino acid conservation, physicochemical variation, residue mobility, and thermodynamic stability) has been performed at Invitae for this missense variant, however the output from this modeling did not meet the statistical confidence thresholds required to predict the impact of this variant on MORC2 protein function. In summary, the available evidence is currently insufficient to determine the role of this variant in disease. Therefore, it has been classified as a Variant of Uncertain Significance.